The following is an entry in ClinVar:

NM_001145358.2(SIN3A):c.1043A>G (p.Asn348Ser)

Gene: SIN3A (SIN3 transcription regulator family member A; minus strand). Cytogenetic location: 15q24.2.
Variant type: single nucleotide variant.
Coding change: c.1043A>G on transcript NM_001145358.2 (MANE Select); coding-DNA position 1043, A replaced by G.
Protein change: p.Asn348Ser; replaces asparagine 348 with serine.
Molecular consequence: missense variant.
Genome position (GRCh38, 1-based): chr15:75,410,252, T>C on the plus strand (A>G on the coding strand, the complement: SIN3A is on the minus strand). VCF-style: chr15-75410252-T-C. GRCh37 (hg19) VCF-style: chr15-75702593-T-C.
Other names: c.1043A>G, p.Asn348Ser (NM_001145357.2, NM_015477.3); short protein forms N348S.
Identifiers: ClinVar variation 2778900 (VCV002778900.3), dbSNP rs773347365, ClinGen allele CA7667754.

ClinVar aggregate classification (germline): Uncertain significance (1 of 4 stars; one submission).

Allele frequency attached by ClinVar (database versions not stated): ExAC 0.00001.
gnomAD v4.1: 1 of 1,613,694 alleles (0.000062%); highest among the groups gnomAD compares: Non-Finnish European, 0.000085%; no homozygotes.

Submission:

Labcorp Genetics (formerly Invitae), Labcorp
Classification: Uncertain significance. Last evaluated: 2024-04-22. Review status: criteria provided, single submitter. Criteria: Invitae Variant Classification Sherloc (09022015). Collection method: clinical testing. Allele origin: germline.
Comment: This sequence change replaces asparagine, which is neutral and polar, with serine, which is neutral and polar, at codon 348 of the SIN3A protein (p.Asn348Ser). This variant is present in population databases (rs773347365, gnomAD 0.0009%). This variant has not been reported in the literature in individuals affected with SIN3A-related conditions. Advanced modeling of protein sequence and biophysical properties (such as structural, functional, and spatial information, amino acid conservation, physicochemical variation, residue mobility, and thermodynamic stability) performed at Invitae indicates that this missense variant is not expected to disrupt SIN3A protein function with a negative predictive value of 80%. In summary, the available evidence is currently insufficient to determine the role of this variant in disease. Therefore, it has been classified as a Variant of Uncertain Significance.